The following is an entry in ClinVar:

NM_001042492.3(NF1):c.8239G>A (p.Asp2747Asn)

Gene: NF1 (neurofibromin 1; plus strand). Cytogenetic location: 17q11.2.
Variant type: single nucleotide variant.
Coding change: c.8239G>A on transcript NM_001042492.3 (MANE Select); coding-DNA position 8239, G replaced by A.
Protein change: p.Asp2747Asn; replaces aspartic acid 2747 with asparagine.
Molecular consequence: missense variant.
Genome position (GRCh38, 1-based): chr17:31,360,565, G>A. VCF-style: chr17-31360565-G-A. GRCh37 (hg19) VCF-style: chr17-29687583-G-A.
Other names: c.8176G>A, p.Asp2726Asn (NM_000267.4); short protein forms D2726N, D2747N.
Identifiers: ClinVar variation 951648 (VCV000951648.4), dbSNP rs745472917, ClinGen allele CA399204633.

ClinVar aggregate classification (germline): Uncertain significance. Review status: criteria provided, multiple submitters, no conflicts (2 of 4 stars). 2 submissions from 2 submitters: Uncertain significance (2). Last evaluated 2021-09-01.

Conditions:
Cardiovascular phenotype. Identifiers: MedGen CN230736.
Hereditary cancer-predisposing syndrome. Also called: Hereditary neoplastic syndrome; Tumor predisposition; Neoplastic Syndromes, Hereditary; Hereditary Cancer Syndrome. Identifiers: Orphanet 140162, MedGen C0027672, MeSH D009386, MONDO:0015356.
Neurofibromatosis, type 1 (NF1). Also called: VON RECKLINGHAUSEN DISEASE; NEUROFIBROMATOSIS, TYPE I, SOMATIC; Peripheral type neurofibromatosis; Neurofibromatosis, type I. Identifiers: Orphanet 636, MedGen C0027831, MONDO:0018975, OMIM 162200. Disease mechanism: loss of function.

Allele frequency attached by ClinVar (database versions not stated): TOPMed 0.00001.

Submissions (2):

Labcorp Genetics (formerly Invitae), Labcorp
Classification: Uncertain significance for Neurofibromatosis, type 1. Last evaluated: 2021-09-01. Review status: criteria provided, single submitter. Criteria: Invitae Variant Classification Sherloc (09022015). Collection method: clinical testing. Allele origin: germline.
Comment: This sequence change replaces aspartic acid with asparagine at codon 2726 of the NF1 protein (p.Asp2726Asn). The aspartic acid residue is moderately conserved and there is a small physicochemical difference between aspartic acid and asparagine. This variant is not present in population databases (ExAC no frequency). This variant has not been reported in the literature in individuals affected with NF1-related conditions. Algorithms developed to predict the effect of missense changes on protein structure and function (SIFT, PolyPhen-2, Align-GVGD) all suggest that this variant is likely to be tolerated. In summary, the available evidence is currently insufficient to determine the role of this variant in disease. Therefore, it has been classified as a Variant of Uncertain Significance.

Ambry Genetics
Classification: Uncertain significance for Cardiovascular phenotype; Hereditary cancer-predisposing syndrome. Last evaluated: 2021-04-01. Review status: criteria provided, single submitter. Criteria: Ambry Variant Classification Scheme 2023. Collection method: clinical testing. Allele origin: germline.